The following is an entry in ClinVar:

NM_000465.4(BARD1):c.94G>C (p.Gly32Arg)

Gene: BARD1 (BRCA1 associated RING domain 1; minus strand). Cytogenetic location: 2q35.
Variant type: single nucleotide variant.
Coding change: c.94G>C on transcript NM_000465.4 (MANE Select); coding-DNA position 94, G replaced by C.
Protein change: p.Gly32Arg; replaces glycine 32 with arginine.
Molecular consequence: missense variant. On other transcripts: non-coding transcript variant (3).
Genome position (GRCh38, 1-based): chr2:214,809,476, C>G on the plus strand (G>C on the coding strand, the complement: BARD1 is on the minus strand). VCF-style: chr2-214809476-C-G. GRCh37 (hg19) VCF-style: chr2-215674200-C-G.
Other names: c.94G>C, p.Gly32Arg (NM_001282543.2, NM_001282545.2, NM_001282548.2 and 1 more transcripts); short protein forms G32R.
Identifiers: ClinVar variation 650571 (VCV000650571.7), dbSNP rs1224914625, ClinGen allele CA350465064.
Genomic context (GRCh38, chr2:214,809,476, plus strand): 5'-GCGAGCAGCGCAGCAGCTTCTCCAGGCGGTCGAGCGCGGCGCGACTGTGGGCCCAGGCAC[C>G]GCGACCATCCGGTTCCATGGCGGGCGCGGAACGAGGCTCGTTCCCGGAGCGGATCCTCGG-3'
Protein context (NP_000456.2, residues 22-42): SAPAMEPDGR[Gly32Arg]AWAHSRAALD

ClinVar aggregate classification (germline): Uncertain significance (1 of 4 stars; one submission).

Conditions:
Familial cancer of breast. Also called: hereditary breast carcinoma; Hereditary breast cancer; BREAST CANCER, FAMILIAL. Identifiers: Orphanet 227535, MedGen C0346153, MONDO:0016419, OMIM 114480. Disease mechanism: loss of function.

Allele frequency attached by ClinVar (database versions not stated): TOPMed 0.00002.

Submission:

Labcorp Genetics (formerly Invitae), Labcorp
Classification: Uncertain significance for Familial cancer of breast. Last evaluated: 2021-08-27. Review status: criteria provided, single submitter. Criteria: Invitae Variant Classification Sherloc (09022015). Collection method: clinical testing. Allele origin: germline.
Comment: This sequence change replaces glycine with arginine at codon 32 of the BARD1 protein (p.Gly32Arg). The glycine residue is moderately conserved and there is a moderate physicochemical difference between glycine and arginine. This variant is not present in population databases (ExAC no frequency). This variant has not been reported in the literature in individuals affected with BARD1-related conditions. Algorithms developed to predict the effect of missense changes on protein structure and function are either unavailable or do not agree on the potential impact of this missense change (SIFT: "Deleterious"; PolyPhen-2: "Possibly Damaging"; Align-GVGD: "Class C0"). In summary, the available evidence is currently insufficient to determine the role of this variant in disease. Therefore, it has been classified as a Variant of Uncertain Significance.